The following is an entry in ClinVar:

ClinVar aggregate classification (germline): Likely pathogenic (1 of 4 stars; one submission).

Conditions:
Autosomal recessive polycystic kidney disease (ARPKD). Also called: AR polycystic kidney disease. Identifiers: Orphanet 731, Orphanet 8378, MedGen C0085548, MeSH D017044, MONDO:0009889.

Submission:

Natera, Inc.
Classification: Likely pathogenic for Autosomal recessive polycystic kidney disease. Last evaluated: 2024-05-08. Review status: criteria provided, single submitter. Criteria: Natera Variant Classification Schema (03/2026). Collection method: clinical testing. Allele origin: germline.
Comment: The c.1798_1801dup variant in PKHD1 is a frameshift variant predicted to shift the reading frame beginning at codon 601 and leads to a stop codon 46 codons downstream. This variant is expected to result in nonsense mediated decay, truncation, or a dysfunctional protein product. This variant is rare in the general population with a frequency below the threshold expected for the associated phenotype(s). Given the available evidence, this variant is classified as Likely Pathogenic.

NM_138694.4(PKHD1):c.1798_1801dup (p.Ala601fs)

Gene: PKHD1 (PKHD1 ciliary IPT domain containing fibrocystin/polyductin; minus strand). Cytogenetic location: 6p12.2.
Variant type: Duplication.
Coding change: c.1798_1801dup on transcript NM_138694.4 (MANE Select); coding-DNA positions 1798 to 1801, 4 bases duplicated (GCTG; older notation c.1798_1801dupGCTG).
Protein change: p.Ala601fs; shifts the reading frame from alanine 601.
Molecular consequence: frameshift variant.
Genome position (GRCh38, 1-based): chr6:52,055,622-52,055,625, CAGC duplicated on the plus strand (GCTG on the coding strand, the reverse complement: PKHD1 is on the minus strand); duplicating any 4 consecutive bases within chr6:52,055,622-52,055,626 gives the same sequence; the c. name uses the placement nearest the transcript's 3' end. VCF-style (leftmost placement, unchanged base first): chr6-52055621-G-GCAGC. GRCh37 (hg19) VCF-style: chr6-51920419-G-GCAGC.
Other names: c.1798_1801dup, p.Ala601fs (NM_170724.3); short protein forms A601fs.
Identifiers: ClinVar variation 4816590 (VCV004816590.1).